The following is an entry in ClinVar:

NM_003640.5(ELP1):c.2864C>G (p.Pro955Arg)

Gene: ELP1 (elongator acetyltransferase complex subunit 1; minus strand). Cytogenetic location: 9q31.3.
Variant type: single nucleotide variant.
Coding change: c.2864C>G on transcript NM_003640.5 (MANE Select); coding-DNA position 2864, C replaced by G.
Protein change: p.Pro955Arg; replaces proline 955 with arginine.
Molecular consequence: missense variant.
Genome position (GRCh38, 1-based): chr9:108,893,080, G>C on the plus strand (C>G on the coding strand, the complement: ELP1 is on the minus strand). VCF-style: chr9-108893080-G-C. GRCh37 (hg19) VCF-style: chr9-111655360-G-C.
Other names: c.2522C>G, p.Pro841Arg (NM_001318360.2); c.1817C>G, p.Pro606Arg (NM_001330749.2); short protein forms P606R, P841R, P955R.
Identifiers: ClinVar variation 939640 (VCV000939640.8), dbSNP rs758112773, ClinGen allele CA5174504.

ClinVar aggregate classification (germline): Uncertain significance. Review status: criteria provided, single submitter (1 of 4 stars). 2 submissions from 2 submitters: Uncertain significance (1). 1 of the submissions does not count toward it. Last evaluated 2021-09-02.

Conditions:
Familial dysautonomia. Also called: FD; HSAN III. Identifiers: Orphanet 1764, MedGen C0013364, MONDO:0009131, OMIM 223900. Disease mechanism: loss of function.

Allele frequency attached by ClinVar (database versions not stated): gnomAD exomes below 0.00001; TOPMed below 0.00001; ExAC 0.00001.
gnomAD v4.1: 1 of 1,609,188 alleles (0.000062%); highest among the groups gnomAD compares: African/African-American, 0.0013%; no homozygotes.

Submissions (2):

Labcorp Genetics (formerly Invitae), Labcorp
Classification: Uncertain significance. Last evaluated: 2021-09-02. Review status: criteria provided, single submitter. Criteria: Invitae Variant Classification Sherloc (09022015). Collection method: clinical testing. Allele origin: germline.
Comment: This sequence change replaces proline with arginine at codon 955 of the ELP1 protein (p.Pro955Arg). The proline residue is moderately conserved and there is a moderate physicochemical difference between proline and arginine. This variant is present in population databases (rs758112773, ExAC no frequency). This variant has not been reported in the literature in individuals affected with ELP1-related conditions. Algorithms developed to predict the effect of missense changes on protein structure and function (SIFT, PolyPhen-2, Align-GVGD) all suggest that this variant is likely to be tolerated. Algorithms developed to predict the effect of sequence changes on RNA splicing suggest that this variant may create or strengthen a splice site. In summary, the available evidence is currently insufficient to determine the role of this variant in disease. Therefore, it has been classified as a Variant of Uncertain Significance.

Natera, Inc.
Classification: Uncertain significance for Familial dysautonomia. Last evaluated: 2020-05-13. Review status: no assertion criteria provided. Collection method: clinical testing. Allele origin: germline. Not counted in ClinVar's aggregate classification.